The following is an entry in ClinVar:

NM_020320.5(RARS2):c.16C>T (p.Arg6Cys)

Gene: RARS2 (arginyl-tRNA synthetase 2, mitochondrial; minus strand). Cytogenetic location: 6q15.
Variant type: single nucleotide variant.
Coding change: c.16C>T on transcript NM_020320.5 (MANE Select); coding-DNA position 16, C replaced by T.
Protein change: p.Arg6Cys; replaces arginine 6 with cysteine.
Molecular consequence: missense variant. On other transcripts: 5 prime UTR variant (7), non-coding transcript variant (23).
Genome position (GRCh38, 1-based): chr6:87,589,942, G>A on the plus strand (C>T on the coding strand, the complement: RARS2 is on the minus strand). VCF-style: chr6-87589942-G-A. GRCh37 (hg19) VCF-style: chr6-88299660-G-A.
Other names: c.-675C>T (NM_001318785.2); c.16C>T, p.Arg6Cys (NM_001350505.2); c.-731C>T (NM_001350506.2, NM_001350510.2); c.-854C>T (NM_001350507.2); c.-893C>T (NM_001350508.2); c.-601C>T (NM_001350509.2); c.-850C>T (NM_001350511.2); short protein forms R6C.
Identifiers: ClinVar variation 2075981 (VCV002075981.3), dbSNP rs201899366, ClinGen allele CA3916848.
Genomic context (GRCh38, chr6:87,589,942, plus strand): 5'-AGCTCCTCAGGGACTCCTCTGCGCGCTCCGGGATCCATACCTGGCAAGCAATAGCGCGGC[G>A]AAAGCCGCACGCCATGTCCACCTCTACGGAAGTGCGCCGCAGTCCGCCAGTTCCGGCCTC-3'
Protein context (NP_064716.2, residues 1-16): MACGF[Arg6Cys]RAIACQLSRV

ClinVar aggregate classification (germline): Likely pathogenic. Review status: criteria provided, multiple submitters, no conflicts (2 of 4 stars). 2 submissions from 2 submitters: Likely pathogenic (2). Last evaluated 2026-01-05.

Conditions:
Pontocerebellar hypoplasia type 6 (PCH6). Identifiers: Orphanet 166073, MedGen C1969084, MONDO:0012683, OMIM 611523.

Allele frequency attached by ClinVar (database versions not stated): gnomAD 0.00001; gnomAD exomes 0.00001; TOPMed 0.00001; ExAC 0.00003; 1000 Genomes Project 30x 0.00016; 1000 Genomes Project 0.00040.
gnomAD v4.1: 22 of 1,612,782 alleles (0.0014%); highest among the groups gnomAD compares: East Asian, 0.02%; no homozygotes.

Submissions (2):

Labcorp Genetics (formerly Invitae), Labcorp
Classification: Likely pathogenic. Last evaluated: 2026-01-05. Review status: criteria provided, single submitter. Criteria: Invitae Variant Classification Sherloc (09022015). Collection method: clinical testing. Allele origin: germline.
Comment: This sequence change replaces arginine, which is basic and polar, with cysteine, which is neutral and slightly polar, at codon 6 of the RARS2 protein (p.Arg6Cys). The frequency data for this variant in the population databases is considered unreliable, as metrics indicate poor data quality at this position in the gnomAD database. This missense change has been observed in individual(s) with pontocerebellar hypoplasia (PMID: 30091983, 35068129). In at least one individual the data is consistent with being in trans (on the opposite chromosome) from a pathogenic variant. ClinVar contains an entry for this variant (Variation ID: 2075981). Invitae Evidence Modeling of protein sequence and biophysical properties (such as structural, functional, and spatial information, amino acid conservation, physicochemical variation, residue mobility, and thermodynamic stability) indicates that this missense variant is expected to disrupt RARS2 protein function with a positive predictive value of 95%. This variant disrupts the p.Arg6 amino acid residue in RARS2. Other variant(s) that disrupt this residue have been observed in individuals with RARS2-related conditions (PMID: 33120460), which suggests that this may be a clinically significant amino acid residue. In summary, the currently available evidence indicates that the variant is pathogenic, but additional data are needed to prove that conclusively. Therefore, this variant has been classified as Likely Pathogenic.

Baylor Genetics
Classification: Likely pathogenic for Pontocerebellar hypoplasia type 6. Last evaluated: 2024-03-22. Review status: criteria provided, single submitter. Criteria: ACMG Guidelines, 2015. Collection method: clinical testing. Allele origin: unknown.

Literature cited by the submitters: PubMed 30091983 (cited by Labcorp Genetics (formerly Invitae), Labcorp); PubMed 35068129 (cited by Labcorp Genetics (formerly Invitae), Labcorp); PubMed 33120460 (cited by Labcorp Genetics (formerly Invitae), Labcorp).